The following is an entry in ClinVar:

NM_001017420.3(ESCO2):c.224C>T (p.Ser75Leu)

Gene: ESCO2 (establishment of sister chromatid cohesion N-acetyltransferase 2; plus strand). Cytogenetic location: 8p21.1.
Variant type: single nucleotide variant.
Coding change: c.224C>T on transcript NM_001017420.3 (MANE Select); coding-DNA position 224, C replaced by T.
Protein change: p.Ser75Leu; replaces serine 75 with leucine.
Molecular consequence: missense variant.
Genome position (GRCh38, 1-based): chr8:27,776,532, C>T. VCF-style: chr8-27776532-C-T. GRCh37 (hg19) VCF-style: chr8-27634049-C-T.
Other names: c.224C>T (NM_001017420.2); short protein forms S75L.
Identifiers: ClinVar variation 1366849 (VCV001366849.5), dbSNP rs2128951065, ClinGen allele CA370817467.

ClinVar aggregate classification (germline): Uncertain significance. Review status: criteria provided, multiple submitters, no conflicts (2 of 4 stars). 2 submissions from 2 submitters: Uncertain significance (2). Last evaluated 2024-11-07.

Conditions:
Inborn genetic diseases. Identifiers: MedGen C0950123, MeSH D030342.

Allele frequency attached by ClinVar (database versions not stated): gnomAD exomes below 0.00001.
gnomAD v4.1: 6 of 1,614,092 alleles (0.00037%); highest among the groups gnomAD compares: Non-Finnish European, 0.00042%; no homozygotes.

Submissions (2):

Ambry Genetics
Classification: Uncertain significance for Inborn genetic diseases. Last evaluated: 2024-11-07. Review status: criteria provided, single submitter. Criteria: Ambry Variant Classification Scheme 2023. Collection method: clinical testing. Allele origin: germline.

Labcorp Genetics (formerly Invitae), Labcorp
Classification: Uncertain significance. Last evaluated: 2022-09-27. Review status: criteria provided, single submitter. Criteria: Invitae Variant Classification Sherloc (09022015). Collection method: clinical testing. Allele origin: germline.
Comment: This sequence change replaces serine, which is neutral and polar, with leucine, which is neutral and non-polar, at codon 75 of the ESCO2 protein (p.Ser75Leu). This variant is not present in population databases (gnomAD no frequency). This variant has not been reported in the literature in individuals affected with ESCO2-related conditions. ClinVar contains an entry for this variant (Variation ID: 1366849). Algorithms developed to predict the effect of missense changes on protein structure and function are either unavailable or do not agree on the potential impact of this missense change (SIFT: "Deleterious"; PolyPhen-2: "Probably Damaging"; Align-GVGD: "Class C0"). In summary, the available evidence is currently insufficient to determine the role of this variant in disease. Therefore, it has been classified as a Variant of Uncertain Significance.